The following is an entry in ClinVar:

ClinVar aggregate classification (germline): Benign. Review status: criteria provided, multiple submitters, no conflicts (2 of 4 stars). 3 submissions from 3 submitters: Benign (2). 1 of the submissions does not count toward it. Last evaluated 2019-12-31.

Conditions:
MYCBP2-related disorder. Also called: MYCBP2-related condition.

Allele frequency attached by ClinVar (database versions not stated): gnomAD 0.02847 and 0.02687; TOPMed 0.03010; ESP Exome Variant Server 0.03022; 1000 Genomes Project 0.03494; 1000 Genomes Project 30x 0.03873.
gnomAD v4.1: 8,377 of 1,614,030 alleles (0.52%); highest among the groups gnomAD compares: African/African-American, 9.4%; 362 homozygotes.

Submissions (3):

Labcorp Genetics (formerly Invitae), Labcorp
Classification: Benign. Last evaluated: 2019-12-31. Review status: criteria provided, single submitter. Criteria: Invitae Variant Classification Sherloc (09022015). Collection method: clinical testing. Allele origin: germline.

Breakthrough Genomics
Classification: Benign. Review status: criteria provided, single submitter. Criteria: ACMG Guidelines, 2015. Collection method: not provided. Allele origin: germline. Inheritance: Unknown mechanism. Affected: yes.

PreventionGenetics, part of Exact Sciences
Classification: Benign for MYCBP2-related condition. Last evaluated: 2019-02-20. Review status: no assertion criteria provided. Collection method: clinical testing. Allele origin: germline. Not counted in ClinVar's aggregate classification.
Comment: This variant is classified as benign based on ACMG/AMP sequence variant interpretation guidelines (Richards et al. 2015 PMID: 25741868, with internal and published modifications).

NM_015057.5(MYCBP2):c.5748C>G (p.Val1916=)

Gene: MYCBP2 (MYC binding protein 2; minus strand). Cytogenetic location: 13q22.3.
Variant type: single nucleotide variant.
Coding change: c.5748C>G on transcript NM_015057.5 (MANE Select); coding-DNA position 5748, C replaced by G.
Protein change: p.Val1916=; no amino-acid change (valine 1916 retained).
Molecular consequence: synonymous variant.
Genome position (GRCh38, 1-based): chr13:77,171,538, G>C on the plus strand (C>G on the coding strand, the complement: MYCBP2 is on the minus strand). VCF-style: chr13-77171538-G-C. GRCh37 (hg19) VCF-style: chr13-77745673-G-C.
Identifiers: ClinVar variation 781109 (VCV000781109.7), dbSNP rs17067287, ClinGen allele CA7009426.
Genomic context (GRCh38, chr13:77,171,538, plus strand): 5'-AGAAAAAATATTACCATCCACAGCAAGAGCTCTGTGCAGGAGGTCCTTAGAGGCTCGAAC[G>C]ACAGTGCTTACAACAGACAATGCTCTGCTACAGTTTTTATCTTCTTCATTGGCTTTACTC-3'
Protein context (NP_055872.4, residues 1906-1926): CSRALSVVST[Val1916=]VRASKDLLHR